The following is an entry in ClinVar:

NM_000245.4(MET):c.2702T>C (p.Leu901Pro)

Gene: MET (MET proto-oncogene, receptor tyrosine kinase; plus strand). Cytogenetic location: 7q31.2.
Variant type: single nucleotide variant.
Coding change: c.2702T>C on transcript NM_000245.4 (MANE Select); coding-DNA position 2702, T replaced by C.
Protein change: p.Leu901Pro; replaces leucine 901 with proline.
Molecular consequence: missense variant.
Genome position (GRCh38, 1-based): chr7:116,769,763, T>C. VCF-style: chr7-116769763-T-C. GRCh37 (hg19) VCF-style: chr7-116409817-T-C.
Other names: c.2756T>C, p.Leu919Pro (NM_001127500.3); c.2702T>C, p.Leu901Pro (NM_001324401.3); c.1412T>C, p.Leu471Pro (NM_001324402.2); short protein forms L471P, L919P, L901P.
Identifiers: ClinVar variation 1502640 (VCV001502640.8), dbSNP rs755194593, ClinGen allele CA4448552.
Genomic context (GRCh38, chr7:116,769,763, plus strand): 5'-GCTGTGAGAATATACACTTACATTCTGAAGCCGTTTTATGCACGGTCCCCAATGACCTGC[T>C]GAAATTGAACAGCGAGCTAAATATAGAGGTGGGATTCCTGCATTCCTCTCATGATGTAAA-3'
Protein context (NP_000236.2, residues 891-911): AVLCTVPNDL[Leu901Pro]KLNSELNIEW

ClinVar aggregate classification (germline): Uncertain significance (1 of 4 stars; one submission).

Conditions:
Renal cell carcinoma. Identifiers: Orphanet 217071, MedGen C0007134, MeSH D002292, MONDO:0005086, HP:0005584.

Allele frequency attached by ClinVar (database versions not stated): gnomAD exomes 0.00001 and 0.00002; ExAC 0.00002.
gnomAD v4.1: 13 of 1,613,904 alleles (0.00081%); highest among the groups gnomAD compares: South Asian, 0.014%; no homozygotes.

Submission:

Labcorp Genetics (formerly Invitae), Labcorp
Classification: Uncertain significance for Renal cell carcinoma. Last evaluated: 2025-08-18. Review status: criteria provided, single submitter. Criteria: Invitae Variant Classification Sherloc (09022015). Collection method: clinical testing. Allele origin: germline.
Comment: This sequence change replaces leucine, which is neutral and non-polar, with proline, which is neutral and non-polar, at codon 919 of the MET protein (p.Leu919Pro). This variant is present in population databases (rs755194593, gnomAD 0.02%). This variant has not been reported in the literature in individuals affected with MET-related conditions. ClinVar contains an entry for this variant (Variation ID: 1502640). Invitae Evidence Modeling of protein sequence and biophysical properties (such as structural, functional, and spatial information, amino acid conservation, physicochemical variation, residue mobility, and thermodynamic stability) indicates that this missense variant is not expected to disrupt MET protein function with a negative predictive value of 80%. In summary, the available evidence is currently insufficient to determine the role of this variant in disease. Therefore, it has been classified as a Variant of Uncertain Significance.